The following is an entry in ClinVar:

ClinVar aggregate classification (germline): Uncertain significance (1 of 4 stars; one submission).

Conditions:
Emery-Dreifuss muscular dystrophy 5, autosomal dominant (EDMD5). Also called: EMERY-DREIFUSS MUSCULAR DYSTROPHY 5. Identifiers: Orphanet 261, MedGen C2751805, MONDO:0013072, OMIM 612999.

Allele frequency attached by ClinVar (database versions not stated): gnomAD 0.00003 and 0.00004; ExAC 0.00006; gnomAD exomes 0.00006; TOPMed 0.00006.
gnomAD v4.1: 87 of 1,614,004 alleles (0.0054%); highest among the groups gnomAD compares: African/African-American, 0.013%; no homozygotes.

Submission:

Labcorp Genetics (formerly Invitae), Labcorp
Classification: Uncertain significance for Emery-Dreifuss muscular dystrophy 5, autosomal dominant. Last evaluated: 2022-03-09. Review status: criteria provided, single submitter. Criteria: Invitae Variant Classification Sherloc (09022015). Collection method: clinical testing. Allele origin: germline.
Comment: In summary, the available evidence is currently insufficient to determine the role of this variant in disease. Therefore, it has been classified as a Variant of Uncertain Significance. Algorithms developed to predict the effect of missense changes on protein structure and function output the following: SIFT: "Tolerated"; PolyPhen-2: "Benign"; Align-GVGD: "Class C0". The cysteine amino acid residue is found in multiple mammalian species, which suggests that this missense change does not adversely affect protein function. ClinVar contains an entry for this variant (Variation ID: 1019344). This variant has not been reported in the literature in individuals affected with SYNE2-related conditions. This variant is present in population databases (rs752451899, gnomAD 0.02%). This sequence change replaces arginine, which is basic and polar, with cysteine, which is neutral and slightly polar, at codon 4509 of the SYNE2 protein (p.Arg4509Cys).

NM_182914.3(SYNE2):c.13525C>T (p.Arg4509Cys)

Gene: SYNE2 (spectrin repeat containing nuclear envelope protein 2; plus strand). Cytogenetic location: 14q23.2.
Variant type: single nucleotide variant.
Coding change: c.13525C>T on transcript NM_182914.3 (MANE Select); coding-DNA position 13525, C replaced by T.
Protein change: p.Arg4509Cys; replaces arginine 4509 with cysteine.
Molecular consequence: missense variant.
Genome position (GRCh38, 1-based): chr14:64,125,181, C>T. VCF-style: chr14-64125181-C-T. GRCh37 (hg19) VCF-style: chr14-64591899-C-T.
Other names: c.13525C>T, p.Arg4509Cys (NM_015180.6); short protein forms R4509C.
Identifiers: ClinVar variation 1019344 (VCV001019344.8), dbSNP rs752451899, ClinGen allele CA7222472.
Genomic context (GRCh38, chr14:64,125,181, plus strand): 5'-AACTTTAGATACCCAACAACTGAAGAACTGAAAACCTATACCACCCAACTTGAAGACCTG[C>T]GCCAAGAAGCAAGTAACCTTCAGACACAGGTAGAAGCTGCACACAATGTGTTTTCCTCAT-3'
Protein context (NP_878918.2, residues 4499-4519): KTYTTQLEDL[Arg4509Cys]QEASNLQTQE